The following is an entry in ClinVar:

ClinVar aggregate classification (germline): Uncertain significance (1 of 4 stars; one submission).

Allele frequency attached by ClinVar (database versions not stated): gnomAD 0.00001; TOPMed 0.00001; ExAC 0.00002; gnomAD exomes 0.00002.
gnomAD v4.1: 26 of 1,611,434 alleles (0.0016%); highest among the groups gnomAD compares: East Asian, 0.0045%; no homozygotes.

Submission:

Labcorp Genetics (formerly Invitae), Labcorp
Classification: Uncertain significance. Last evaluated: 2021-08-13. Review status: criteria provided, single submitter. Criteria: Invitae Variant Classification Sherloc (09022015). Collection method: clinical testing. Allele origin: germline.
Comment: This sequence change affects codon 1272 of the CAD mRNA. It is a 'silent' change, meaning that it does not change the encoded amino acid sequence of the CAD protein. This variant is present in population databases (rs749232399, ExAC 0.01%). This variant has not been reported in the literature in individuals affected with CAD-related conditions. Algorithms developed to predict the effect of sequence changes on RNA splicing suggest that this variant may create or strengthen a splice site. In summary, the available evidence is currently insufficient to determine the role of this variant in disease. Therefore, it has been classified as a Variant of Uncertain Significance.

NM_004341.5(CAD):c.3816G>A (p.Ala1272=)

Gene: CAD (carbamoyl-phosphate synthetase 2, aspartate transcarbamylase, and dihydroorotase; plus strand). Cytogenetic location: 2p23.3.
Variant type: single nucleotide variant.
Coding change: c.3816G>A on transcript NM_004341.5 (MANE Select); coding-DNA position 3816, G replaced by A.
Protein change: p.Ala1272=; no amino-acid change (alanine 1272 retained).
Molecular consequence: synonymous variant.
Genome position (GRCh38, 1-based): chr2:27,235,274, G>A. VCF-style: chr2-27235274-G-A. GRCh37 (hg19) VCF-style: chr2-27458142-G-A.
Other names: c.3627G>A, p.Ala1209= (NM_001306079.2).
Identifiers: ClinVar variation 1435431 (VCV001435431.5), dbSNP rs749232399, ClinGen allele CA1573380.